The following is an entry in ClinVar:

NM_172245.4(CSF2RA):c.437G>A (p.Arg146His)

Gene: CSF2RA (colony stimulating factor 2 receptor subunit alpha; plus strand). Cytogenetic location: Xp22.33.
Variant type: single nucleotide variant.
Coding change: c.437G>A on transcript NM_172245.4 (MANE Select); coding-DNA position 437, G replaced by A.
Protein change: p.Arg146His; replaces arginine 146 with histidine.
Molecular consequence: missense variant. On other transcripts: non-coding transcript variant (1).
Genome position (GRCh38, 1-based): chrX:1,288,852, G>A. VCF-style: chrX-1288852-G-A. GRCh37 (hg19) VCF-style: chrX-1407745-G-A.
Other names: c.437G>A, p.Arg146His (NM_001161529.2, NM_001161530.2, NM_001161531.2 and 21 more transcripts); c.38G>A, p.Arg13His (NM_001161532.2); short protein forms R146H, R13H.
Identifiers: ClinVar variation 2724403 (VCV002724403.1), dbSNP rs759083963, ClinGen allele CA2468495890.

ClinVar aggregate classification (germline): Uncertain significance (1 of 4 stars; one submission).

Conditions:
Surfactant metabolism dysfunction, pulmonary, 4 (SMDP4). Also called: CSF2RA DEFICIENCY; PAP DUE TO CSF2RA DEFICIENCY; PULMONARY ALVEOLAR PROTEINOSIS, CONGENITAL, 4. Identifiers: Orphanet 264675, MedGen C2677877, MONDO:0010424, OMIM 300770.

Allele frequency attached by ClinVar (database versions not stated): TOPMed 0.00002.
gnomAD v4.1: 37 of 1,613,730 alleles (0.0023%); highest among the groups gnomAD compares: Middle Eastern, 0.017%; no homozygotes.

Submission:

Labcorp Genetics (formerly Invitae), Labcorp
Classification: Uncertain significance for Surfactant metabolism dysfunction, pulmonary, 4. Last evaluated: 2023-11-04. Review status: criteria provided, single submitter. Criteria: Invitae Variant Classification Sherloc (09022015). Collection method: clinical testing. Allele origin: germline.
Comment: This sequence change replaces arginine, which is basic and polar, with histidine, which is basic and polar, at codon 146 of the CSF2RA protein (p.Arg146His). This variant is present in population databases (no rsID available, gnomAD 0.01%). This variant has not been reported in the literature in individuals affected with CSF2RA-related conditions. Advanced modeling of protein sequence and biophysical properties (such as structural, functional, and spatial information, amino acid conservation, physicochemical variation, residue mobility, and thermodynamic stability) performed at Invitae indicates that this missense variant is not expected to disrupt CSF2RA protein function with a negative predictive value of 80%. In summary, the available evidence is currently insufficient to determine the role of this variant in disease. Therefore, it has been classified as a Variant of Uncertain Significance.